The following is an entry in ClinVar:

NM_000540.3(RYR1):c.5632G>A (p.Glu1878Lys)

Gene: RYR1 (ryanodine receptor 1; plus strand). Cytogenetic location: 19q13.2.
Variant type: single nucleotide variant.
Coding change: c.5632G>A on transcript NM_000540.3 (MANE Select); coding-DNA position 5632, G replaced by A.
Protein change: p.Glu1878Lys; replaces glutamic acid 1878 with lysine.
Molecular consequence: missense variant.
Genome position (GRCh38, 1-based): chr19:38,489,261, G>A. VCF-style: chr19-38489261-G-A. GRCh37 (hg19) VCF-style: chr19-38979901-G-A.
Other names: c.5632G>A, p.Glu1878Lys (NM_001042723.2); short protein forms E1878K.
Identifiers: ClinVar variation 3387749 (VCV003387749.2).

ClinVar aggregate classification (germline): Uncertain significance. Review status: criteria provided, multiple submitters, no conflicts (2 of 4 stars). 2 submissions from 2 submitters: Uncertain significance (2). Last evaluated 2025-03-29.

Conditions:
Malignant hyperthermia, susceptibility to, 1 (MHS1). Also called: Anesthesia related hyperthermia; Malignant hyperpyrexia; Fulminating hyperpyrexia; Pharmacogenic myopathy; RYR1-Related Malignant Hyperthermia Susceptibility; Malignant hyperthermia suceptibility 1. Identifiers: Orphanet 423, MedGen C2930980, MONDO:0007783, OMIM 145600.
RYR1-related disorder. Also called: RYR1-related disorders; RYR1-related condition. Identifiers: MedGen CN239331.

gnomAD v4.1: 1 of 1,611,864 alleles (0.000062%); highest among the groups gnomAD compares: African/African-American, 0.0013%; no homozygotes.

Submissions (2):

Labcorp Genetics (formerly Invitae), Labcorp
Classification: Uncertain significance for RYR1-related disorder. Last evaluated: 2025-03-29. Review status: criteria provided, single submitter. Criteria: Invitae Variant Classification Sherloc (09022015). Collection method: clinical testing. Allele origin: germline.
Comment: This sequence change replaces glutamic acid, which is acidic and polar, with lysine, which is basic and polar, at codon 1878 of the RYR1 protein (p.Glu1878Lys). This variant is not present in population databases (gnomAD no frequency). This missense change has been observed in individual(s) with clinical features of RYR1-related conditions (PMID: 36280855). ClinVar contains an entry for this variant (Variation ID: 3387749). Invitae Evidence Modeling of protein sequence and biophysical properties (such as structural, functional, and spatial information, amino acid conservation, physicochemical variation, residue mobility, and thermodynamic stability) indicates that this missense variant is not expected to disrupt RYR1 protein function with a negative predictive value of 80%. In summary, the available evidence is currently insufficient to determine the role of this variant in disease. Therefore, it has been classified as a Variant of Uncertain Significance.

All of Us Research Program, National Institutes of Health
Classification: Uncertain significance for Malignant hyperthermia, susceptibility to, 1. Last evaluated: 2024-03-24. Review status: criteria provided, single submitter. Criteria: ACMG Guidelines, 2015. Collection method: clinical testing. Allele origin: germline. Inheritance: Autosomal dominant inheritance. Observed: 1 variant allele, 1 heterozygote.
Comment: This missense variant replaces glutamic acid with lysine at codon 1878 of the RYR1 protein. Computational prediction suggests that this variant may not impact protein structure and function. To our knowledge, functional studies have not been reported for this variant. This variant has been reported in an individual affected with anesthetic-associated rhabdomyolysis (PMID: 36280855). This variant has not been identified in the general population by the Genome Aggregation Database (gnomAD). The available evidence is insufficient to determine the role of this variant in disease conclusively. Therefore, this variant is classified as a Variant of Uncertain Significance.

This study involves interpretation of variants in research participants for the purpose of population health screening. Participant phenotype was not available at the time of variant classification. Additional details can be found in publication PMID: 35346344, PMCID: PMC8962531

Literature cited by the submitters: PubMed 36280855 (cited by Labcorp Genetics (formerly Invitae), Labcorp and All of Us Research Program, National Institutes of Health).